The following is an entry in ClinVar:

ClinVar aggregate classification (germline): Uncertain significance (1 of 4 stars; one submission).

Submission:

Labcorp Genetics (formerly Invitae), Labcorp
Classification: Uncertain significance. Last evaluated: 2024-05-15. Review status: criteria provided, single submitter. Criteria: Invitae Variant Classification Sherloc (09022015). Collection method: clinical testing. Allele origin: germline.
Comment: This sequence change replaces isoleucine, which is neutral and non-polar, with valine, which is neutral and non-polar, at codon 2508 of the HTT protein (p.Ile2508Val). This variant is not present in population databases (gnomAD no frequency). This variant has not been reported in the literature in individuals affected with HTT-related conditions. ClinVar contains an entry for this variant (Variation ID: 1351542). Experimental studies and prediction algorithms are not available or were not evaluated, and the functional significance of this variant is currently unknown. In summary, the available evidence is currently insufficient to determine the role of this variant in disease. Therefore, it has been classified as a Variant of Uncertain Significance.

NM_001388492.1(HTT):c.7516A>G (p.Ile2506Val)

Gene: HTT (huntingtin; plus strand). Cytogenetic location: 4p16.3.
Variant type: single nucleotide variant.
Coding change: c.7516A>G on transcript NM_001388492.1 (MANE Select); coding-DNA position 7516, A replaced by G.
Protein change: p.Ile2506Val; replaces isoleucine 2506 with valine.
Molecular consequence: missense variant.
Genome position (GRCh38, 1-based): chr4:3,223,451, A>G. VCF-style: chr4-3223451-A-G. GRCh37 (hg19) VCF-style: chr4-3225178-A-G.
Other names: c.7522A>G, p.Ile2508Val (NM_002111.8); short protein forms I2508V, I2506V.
Identifiers: ClinVar variation 1351542 (VCV001351542.6), dbSNP rs1293921879, ClinGen allele CA356097590.